The following is an entry in ClinVar:

ClinVar aggregate classification (germline): Uncertain significance (1 of 4 stars; one submission).

gnomAD v4.1: 6 of 1,608,052 alleles (0.00037%); highest among the groups gnomAD compares: South Asian, 0.0056%; no homozygotes.

Submission:

Ambry Genetics
Classification: Uncertain significance. Last evaluated: 2025-11-03. Review status: criteria provided, single submitter. Criteria: Ambry Variant Classification Scheme 2023. Collection method: clinical testing. Allele origin: germline.
Comment: The c.2087A>C (p.Q696P) alteration is located in exon 18 (coding exon 18) of the ATF6B gene. This alteration results from a A to C substitution at nucleotide position 2087, causing the glutamine (Q) at amino acid position 696 to be replaced by a proline (P). Based on data from gnomAD, the C allele has an overall frequency of 0.001% (3/245172) total alleles studied. The highest observed frequency was 0.01% (3/29242) of South Asian alleles. Based on insufficient or conflicting evidence, the clinical significance of this alteration remains unclear.

NM_004381.5(ATF6B):c.2087A>C (p.Gln696Pro)

Gene: ATF6B (activating transcription factor 6 beta; minus strand). Cytogenetic location: 6p21.32.
Variant type: single nucleotide variant.
Coding change: c.2087A>C on transcript NM_004381.5 (MANE Select); coding-DNA position 2087, A replaced by C.
Protein change: p.Gln696Pro; replaces glutamine 696 with proline.
Molecular consequence: missense variant.
Genome position (GRCh38, 1-based): chr6:32,115,764, T>G on the plus strand (A>C on the coding strand, the complement: ATF6B is on the minus strand). VCF-style: chr6-32115764-T-G. GRCh37 (hg19) VCF-style: chr6-32083541-T-G.
Other names: c.2078A>C, p.Gln693Pro (NM_001136153.2); short protein forms Q696P, Q693P.
Identifiers: ClinVar variation 4643756 (VCV004643756.1).
Genomic context (GRCh38, chr6:32,115,764, plus strand): 5'-CTCCCCCCGTTCTAAGTCAGTGTGAATGGCAGAGGTCAGGGATGATTGAGGTAGAGGGGC[T>G]GGTGGGAGGCCTGGTGGGCCTGGCTGGCTGCAGAGACTGGCAAGGGGCCACCTGTGGCAT-3'
Protein context (NP_004372.3, residues 686-703): AASQAHQASH[Gln696Pro]PLYLNHP